The following is an entry in ClinVar:

NM_024704.5(KIF16B):c.1979G>A (p.Arg660His)

Gene: KIF16B (kinesin family member 16B; minus strand). Cytogenetic location: 20p12.1.
Variant type: single nucleotide variant.
Coding change: c.1979G>A on transcript NM_024704.5 (MANE Select); coding-DNA position 1979, G replaced by A.
Protein change: p.Arg660His; replaces arginine 660 with histidine.
Molecular consequence: missense variant.
Genome position (GRCh38, 1-based): chr20:16,380,023, C>T on the plus strand (G>A on the coding strand, the complement: KIF16B is on the minus strand). VCF-style: chr20-16380023-C-T. GRCh37 (hg19) VCF-style: chr20-16360668-C-T.
Other names: c.1979G>A, p.Arg660His (NM_001199865.2, NM_001199866.2); short protein forms R660H.
Identifiers: ClinVar variation 161567 (VCV000161567.3), dbSNP rs138901840, ClinGen allele CA174359.

ClinVar aggregate classification (germline): Uncertain significance. Review status: criteria provided, single submitter (1 of 4 stars). 2 submissions from 2 submitters: Uncertain significance (1). 1 of the submissions does not count toward it. Last evaluated 2023-12-18.

Conditions:
Prostate cancer. Also called: Malignant tumor of prostate. Identifiers: Orphanet 1331, MedGen C0376358, MONDO:0008315, HP:0012125.

Allele frequency attached by ClinVar (database versions not stated): gnomAD 0.00040; ExAC 0.00013; 1000 Genomes Project 0.00020; gnomAD exomes 0.00014 and 0.00005; TOPMed 0.00039; 1000 Genomes Project 30x 0.00031; ESP Exome Variant Server 0.00054.
gnomAD v4.1: 129 of 1,596,412 alleles (0.0081%); highest among the groups gnomAD compares: African/African-American, 0.13%; no homozygotes.

Submissions (2):

Ambry Genetics
Classification: Uncertain significance. Last evaluated: 2023-12-18. Review status: criteria provided, single submitter. Criteria: Ambry Variant Classification Scheme 2023. Collection method: clinical testing. Allele origin: germline.

Science for Life laboratory,  Karolinska Institutet
Classification: Uncertain significance for Malignant tumor of prostate. Review status: no assertion criteria provided. Collection method: not provided. Allele origin: somatic. Not counted in ClinVar's aggregate classification.
Comment: TumorID:SWE-5
ClinVar note: Converted during submission from Unknown to Uncertain significance.